The following is an entry in ClinVar:

ClinVar aggregate classification (germline): Uncertain significance. Review status: criteria provided, multiple submitters, no conflicts (2 of 4 stars). 3 submissions from 3 submitters: Uncertain significance (3). Last evaluated 2023-08-24.

Conditions:
Developmental and epileptic encephalopathy, 18 (DEE18). Also called: Early infantile epileptic encephalopathy 18. Identifiers: Orphanet 369894, MedGen C3809624, MONDO:0014201, OMIM 615476.

Allele frequency attached by ClinVar (database versions not stated): gnomAD 0.00003 and 0.00004; TOPMed 0.00003; ExAC 0.00004; gnomAD exomes 0.00006.
gnomAD v4.1: 28 of 1,598,310 alleles (0.0018%); highest among the groups gnomAD compares: Admixed American, 0.023%; no homozygotes.

Submissions (3):

Labcorp Genetics (formerly Invitae), Labcorp
Classification: Uncertain significance. Last evaluated: 2023-08-24. Review status: criteria provided, single submitter. Criteria: Invitae Variant Classification Sherloc (09022015). Collection method: clinical testing. Allele origin: germline.
Comment: This sequence change replaces arginine, which is basic and polar, with tryptophan, which is neutral and slightly polar, at codon 343 of the SZT2 protein (p.Arg343Trp). This variant is present in population databases (rs767336909, gnomAD 0.03%). This variant has not been reported in the literature in individuals affected with SZT2-related conditions. ClinVar contains an entry for this variant (Variation ID: 836574). Advanced modeling of protein sequence and biophysical properties (such as structural, functional, and spatial information, amino acid conservation, physicochemical variation, residue mobility, and thermodynamic stability) performed at Invitae indicates that this missense variant is not expected to disrupt SZT2 protein function. Algorithms developed to predict the effect of sequence changes on RNA splicing suggest that this variant may disrupt the consensus splice site. In summary, the available evidence is currently insufficient to determine the role of this variant in disease. Therefore, it has been classified as a Variant of Uncertain Significance.

GeneDx
Classification: Uncertain significance. Last evaluated: 2023-06-05. Review status: criteria provided, single submitter. Criteria: GeneDx Variant Classification Process June 2021. Collection method: clinical testing. Allele origin: germline. Affected: yes.
Comment: In silico analysis supports that this missense variant has a deleterious effect on protein structure/function; Has not been previously published as pathogenic or benign to our knowledge

Genome-Nilou Lab
Classification: Uncertain significance for Developmental and epileptic encephalopathy, 18. Last evaluated: 2023-04-11. Review status: criteria provided, single submitter. Criteria: ACMG Guidelines, 2015. Collection method: clinical testing. Allele origin: germline. Affected: no.

NM_001365999.1(SZT2):c.1027C>T (p.Arg343Trp)

Gene: SZT2 (SZT2 subunit of KICSTOR complex; plus strand). Cytogenetic location: 1p34.2.
Variant type: single nucleotide variant.
Coding change: c.1027C>T on transcript NM_001365999.1 (MANE Select); coding-DNA position 1027, C replaced by T.
Protein change: p.Arg343Trp; replaces arginine 343 with tryptophan.
Molecular consequence: missense variant.
Genome position (GRCh38, 1-based): chr1:43,419,881, C>T. VCF-style: chr1-43419881-C-T. GRCh37 (hg19) VCF-style: chr1-43885552-C-T.
Other names: c.1027C>T, p.Arg343Trp (NM_015284.4); short protein forms R343W.
Identifiers: ClinVar variation 836574 (VCV000836574.9), dbSNP rs767336909, ClinGen allele CA808315.
Genomic context (GRCh38, chr1:43,419,881, plus strand): 5'-TCCTACCTGTCCACTTGTCCTGAGCCGGAGCCAGGCAACCTGGGTCTGACTGTCTACCAC[C>T]GGGCATTTCTCCTCTATTCCTTCCTGCGCAGTGGGGAAGCACTGAACCCTGAATATTACT-3'
Protein context (NP_001352928.1, residues 333-353): PGNLGLTVYH[Arg343Trp]AFLLYSFLRS